The following is an entry in ClinVar:

ClinVar aggregate classification (germline): Uncertain significance (1 of 4 stars; one submission).

Conditions:
Glaucoma 1, open angle, E. Identifiers: MedGen C1842026, MONDO:0007665.
Amyotrophic lateral sclerosis type 12 (ALS12). Also called: AMYOTROPHIC LATERAL SCLEROSIS 12 WITH OR WITHOUT FRONTOTEMPORAL DEMENTIA. Identifiers: Orphanet 803, MedGen C3150692, MONDO:0013264, OMIM 613435.
Primary open angle glaucoma (POAG). Also called: OPTN-related open angle glaucoma. Identifiers: MedGen C0339573, MONDO:0100553, OMIM 137760.

gnomAD v4.1: 1 of 1,613,826 alleles (0.000062%); highest among the groups gnomAD compares: Non-Finnish European, 0.000085%; no homozygotes.

Submission:

Labcorp Genetics (formerly Invitae), Labcorp
Classification: Uncertain significance for Primary open angle glaucoma; Glaucoma 1, open angle, E; Amyotrophic lateral sclerosis type 12. Last evaluated: 2024-05-21. Review status: criteria provided, single submitter. Criteria: Invitae Variant Classification Sherloc (09022015). Collection method: clinical testing. Allele origin: germline.
Comment: This sequence change replaces histidine, which is basic and polar, with glutamine, which is neutral and polar, at codon 317 of the OPTN protein (p.His317Gln). This variant is not present in population databases (gnomAD no frequency). This variant has not been reported in the literature in individuals affected with OPTN-related conditions. Advanced modeling of protein sequence and biophysical properties (such as structural, functional, and spatial information, amino acid conservation, physicochemical variation, residue mobility, and thermodynamic stability) performed at Invitae indicates that this missense variant is not expected to disrupt OPTN protein function with a negative predictive value of 80%. In summary, the available evidence is currently insufficient to determine the role of this variant in disease. Therefore, it has been classified as a Variant of Uncertain Significance.

NM_001008212.2(OPTN):c.951T>A (p.His317Gln)

Gene: OPTN (optineurin; plus strand). Cytogenetic location: 10p13.
Variant type: single nucleotide variant.
Coding change: c.951T>A on transcript NM_001008212.2 (MANE Select); coding-DNA position 951, T replaced by A.
Protein change: p.His317Gln; replaces histidine 317 with glutamine.
Molecular consequence: missense variant.
Genome position (GRCh38, 1-based): chr10:13,124,063, T>A. VCF-style: chr10-13124063-T-A. GRCh37 (hg19) VCF-style: chr10-13166063-T-A.
Other names: c.951T>A, p.His317Gln (NM_001008211.1, NM_001008213.1, NM_021980.4); short protein forms H317Q.
Identifiers: ClinVar variation 3756451 (VCV003756451.2).